The following continues an entry in ClinVar:

NM_000059.4(BRCA2):c.8420C>T (p.Ser2807Leu)

Gene: BRCA2. ClinVar aggregate classification (germline): Conflicting classifications of pathogenicity. Uncertain significance (8); Benign (1); Likely benign (2).

Submissions 10 to 16 of 16:

GeneDx
Classification: Uncertain significance. Last evaluated: 2019-06-21. Review status: criteria provided, single submitter. Criteria: GeneDx Variant Classification Process June 2021. Collection method: clinical testing. Allele origin: germline. Affected: yes.
Comment: Observed in individuals with breast cancer (Momozawa 2018); Not observed at a significant frequency in large population cohorts (Lek 2016); In silico analysis, which includes protein predictors and evolutionary conservation, supports that this variant does not alter protein structure/function; Also known as 8648C>T; This variant is associated with the following publications: (PMID: 24323938, 24817641, 31921681, 19043619, 27003155, 27149842, 30287823, 29394989, 10923033, 23108138, 29884841)

Institute for Biomarker Research, Medical Diagnostic Laboratories, L.L.C.
Classification: Uncertain significance for Hereditary cancer-predisposing syndrome. Last evaluated: 2018-05-23. Review status: criteria provided, single submitter. Criteria: ACMG Guidelines, 2015. Collection method: clinical testing. Allele origin: germline.

BRCAlab, Lund University
Classification: Uncertain significance for Breast-ovarian cancer, familial, susceptibility to, 2. Last evaluated: 2020-03-02. Review status: no assertion criteria provided. Collection method: clinical testing. Allele origin: germline. Affected: yes. Not counted in ClinVar's aggregate classification.

Counsyl
Classification: Uncertain significance for Breast-ovarian cancer, familial, susceptibility to, 2. Last evaluated: 2015-12-04. Review status: no assertion criteria provided. Collection method: clinical testing. Allele origin: unknown. Not counted in ClinVar's aggregate classification.

Sharing Clinical Reports Project (SCRP)
Classification: Uncertain significance for Breast-ovarian cancer, familial 2. Last evaluated: 2012-05-01. Review status: no assertion criteria provided. Collection method: clinical testing. Allele origin: germline. Not counted in ClinVar's aggregate classification.

Breast Cancer Information Core (BIC) (BRCA2)
Classification: Uncertain significance for Breast-ovarian cancer, familial 2. Last evaluated: 2004-02-20. Review status: no assertion criteria provided. Collection method: clinical testing. Allele origin: germline. Affected: yes. Observed: 1 variant allele. Not counted in ClinVar's aggregate classification.

Department of Pathology and Laboratory Medicine, Sinai Health System
Classification: Uncertain significance for Malignant tumor of breast. Review status: no assertion criteria provided. Collection method: clinical testing. Allele origin: unknown. Affected: yes. Study: The Canadian Open Genetics Repository (COGR). Not counted in ClinVar's aggregate classification.
Comment: The p.Ser2807Leu variant was identified in dbSNP (ID: rs55763607) â€šÃ„ÃºWith uncertain significance alleleâ€šÃ„Ã¹, the BIC database (1X with unknown clinical importance), and in the ClinVar database (classified with â€šÃ„Ãºuncertain significanceâ€šÃ„Ã¹ by four submitters: Ambry Genetics, GeneDX, Sharing Clinical Reports Project, BIC). The variant was listed in the Exome Aggregation Consortium (ExAC) database, where it was found in 3 of 11572 chromosomes from a cohort of Latino ethnicity; however this low frequency is not substantive enough to comment on the relationship of this variant to disease. The variant was not identified in other database searches, including: NHLBI Exome Sequencing Project (Exome Variant Server), ARUP Laboratories BRCA Mutations Database, COSMIC, LOVD, BRCA Share and the GeneInsight COGR database. The variant occurs outside of the splicing consensus sequence and in silico or computational prediction software programs (SpliceSiteFinder, MaxEntScan, NNSPLICE, GeneSplicer, HumanSpliceFinder) do not predict a difference in splicing. The p.Ser2807 residue is conserved across mammals and other organisms, and 5/5 computational analyses (PolyPhen-2, SIFT, AlignGVGD, BLOSUM, MutationTaster) suggest that the variant may impact the protein; however, this information is not predictive enough to assume pathogenicity. One in silico study predicting the impact of the variant on protein function yielded inconclusive results (Karchin 2008), while a cell-based study assessing homology-directed repair concluded that the variant does not impact this function of the BRCA2 protein (Guidugli 2013). In summary, based on the above information, the clinical significance of this variant cannot be determined with certainty at this time. This variant is classified as a variant of unknown significance.

Literature cited by the submitters: PubMed 29394989 (cited by 3 submitters); PubMed 33609447 (cited by Quest Diagnostics Nichols Institute San Juan Capistrano and Women's Health and Genetics/Laboratory Corporation of America, LabCorp); PubMed 35736817 (cited by Quest Diagnostics Nichols Institute San Juan Capistrano and Color Diagnostics, LLC DBA Color Health); PubMed 36243179 (cited by Quest Diagnostics Nichols Institute San Juan Capistrano); PubMed 32980694 (cited by 3 submitters); PubMed 23108138 (cited by 6 submitters); PubMed 19043619 (cited by 3 submitters); PubMed 33471991 (cited by 3 submitters); PubMed 30287823 (cited by 4 submitters); PubMed 32906206 (cited by Quest Diagnostics Nichols Institute San Juan Capistrano); PubMed 31921681 (cited by Quest Diagnostics Nichols Institute San Juan Capistrano and Women's Health and Genetics/Laboratory Corporation of America, LabCorp); PubMed 24817641 (cited by Quest Diagnostics Nichols Institute San Juan Capistrano and Counsyl); PubMed 29884841 (cited by Quest Diagnostics Nichols Institute San Juan Capistrano and Women's Health and Genetics/Laboratory Corporation of America, LabCorp); PubMed 31214711 (cited by All of Us Research Program, National Institutes of Health and Color Diagnostics, LLC DBA Color Health); PubMed 24323938 (cited by Women's Health and Genetics/Laboratory Corporation of America, LabCorp); PubMed 27003155 (cited by Women's Health and Genetics/Laboratory Corporation of America, LabCorp); PubMed 27760322 (cited by Women's Health and Genetics/Laboratory Corporation of America, LabCorp).